The following is an entry in ClinVar:

NM_000179.3(MSH6):c.2175C>A (p.Ile725=)

Gene: MSH6 (mutS homolog 6; plus strand). Cytogenetic location: 2p16.3.
Variant type: single nucleotide variant.
Coding change: c.2175C>A on transcript NM_000179.3 (MANE Select); coding-DNA position 2175, C replaced by A.
Protein change: p.Ile725=; no amino-acid change (isoleucine 725 retained).
Molecular consequence: synonymous variant.
Genome position (GRCh38, 1-based): chr2:47,800,158, C>A. VCF-style: chr2-47800158-C-A. GRCh37 (hg19) VCF-style: chr2-48027297-C-A.
Other names: c.1269C>A, p.Ile423= (NM_001281494.2, NM_001281493.2); c.1785C>A, p.Ile595= (NM_001281492.2).
Identifiers: ClinVar variation 1579613 (VCV001579613.9), dbSNP rs63750304, ClinGen allele CA426121650.

ClinVar aggregate classification (germline): Benign/Likely benign. Review status: criteria provided, multiple submitters, no conflicts (2 of 4 stars). 2 submissions from 2 submitters: Benign (1); Likely benign (1). Last evaluated 2024-12-30.

Conditions:
Hereditary nonpolyposis colorectal neoplasms. Identifiers: MedGen C0009405, MeSH D003123.
Lynch syndrome 5 (LYNCH5). Also called: Colorectal cancer, hereditary nonpolyposis, type 5; Hereditary non-polyposis colorectal cancer, type 5. Identifiers: Orphanet 144, MedGen C1833477, MONDO:0013710, OMIM 614350. Disease mechanism: loss of function.

Submissions (2):

Myriad Genetics, Inc.
Classification: Benign for Lynch syndrome 5. Last evaluated: 2024-12-30. Review status: criteria provided, single submitter. Criteria: Myriad Autosomal Dominant, Autosomal Recessive and X-Linked Classification Criteria (2023). Collection method: clinical testing. Allele origin: unknown.
Comment: This variant is considered benign. This variant is a silent/synonymous amino acid change and it is not expected to impact splicing.

Labcorp Genetics (formerly Invitae), Labcorp
Classification: Likely benign for Hereditary nonpolyposis colorectal neoplasms. Last evaluated: 2024-12-19. Review status: criteria provided, single submitter. Criteria: Invitae Variant Classification Sherloc (09022015). Collection method: clinical testing. Allele origin: germline.